The following is an entry in ClinVar:

ClinVar aggregate classification (germline): Uncertain significance. Review status: criteria provided, multiple submitters, no conflicts (2 of 4 stars). 2 submissions from 2 submitters: Uncertain significance (2). Last evaluated 2026-01-27.

Conditions:
Brachyolmia-amelogenesis imperfecta syndrome. Also called: Tooth agenesis, selective, 6; Dental anomalies and short stature; PLATYSPONDYLY WITH AMELOGENESIS IMPERFECTA. Identifiers: Orphanet 2899, MedGen C1832594, MONDO:0011018, OMIM 601216. Disease mechanism: loss of function.
Inborn genetic diseases. Identifiers: MedGen C0950123, MeSH D030342.

gnomAD v4.1: 2 of 1,600,050 alleles (0.00012%); highest among the groups gnomAD compares: Admixed American, 0.0017%; no homozygotes.

Submissions (2):

Labcorp Genetics (formerly Invitae), Labcorp
Classification: Uncertain significance for Brachyolmia-amelogenesis imperfecta syndrome. Last evaluated: 2026-01-27. Review status: criteria provided, single submitter. Criteria: Invitae Variant Classification Sherloc (09022015). Collection method: clinical testing. Allele origin: germline.
Comment: This sequence change replaces proline, which is neutral and non-polar, with threonine, which is neutral and polar, at codon 763 of the LTBP3 protein (p.Pro763Thr). This variant is not present in population databases (gnomAD no frequency). This variant has not been reported in the literature in individuals affected with LTBP3-related conditions. ClinVar contains an entry for this variant (Variation ID: 3697236). An algorithm developed to predict the effect of missense changes on protein structure and function (PolyPhen-2) suggests that this variant is likely to be disruptive. In summary, the available evidence is currently insufficient to determine the role of this variant in disease. Therefore, it has been classified as a Variant of Uncertain Significance.

Ambry Genetics
Classification: Uncertain significance for Inborn genetic diseases. Last evaluated: 2025-03-25. Review status: criteria provided, single submitter. Criteria: Ambry Variant Classification Scheme 2023. Collection method: clinical testing. Allele origin: germline.
Comment: The p.P763T variant (also known as c.2287C>A), located in coding exon 16 of the LTBP3 gene, results from a C to A substitution at nucleotide position 2287. The proline at codon 763 is replaced by threonine, an amino acid with highly similar properties. This amino acid position is conserved. In addition, the in silico prediction for this alteration is inconclusive. Based on the available evidence, the clinical significance of this variant remains unclear.

NM_001130144.3(LTBP3):c.2287C>A (p.Pro763Thr)

Genes: LTBP3 (latent transforming growth factor beta binding protein 3; minus strand), LOC130006029 (ATAC-STARR-seq lymphoblastoid silent region 3532; plus strand). Cytogenetic location: 11q13.1.
Variant type: single nucleotide variant.
Coding change: c.2287C>A on transcript NM_001130144.3 (MANE Select); coding-DNA position 2287, C replaced by A.
Protein change: p.Pro763Thr; replaces proline 763 with threonine.
Molecular consequence: missense variant.
Genome position (GRCh38, 1-based): chr11:65,546,508, G>T on the plus strand (C>A on the coding strand, the complement: LTBP3 is on the minus strand). VCF-style: chr11-65546508-G-T. GRCh37 (hg19) VCF-style: chr11-65313979-G-T.
Other names: c.1936C>A, p.Pro646Thr (NM_001164266.1); c.2287C>A, p.Pro763Thr (NM_021070.4); c.2287C>A (NM_001130144.2); short protein forms P646T, P763T.
Identifiers: ClinVar variation 3697236 (VCV003697236.3).